The following is an entry in ClinVar:

ClinVar aggregate classification (germline): Pathogenic (1 of 4 stars; one submission).

Conditions:
Acromesomelic dysplasia 1, Maroteaux type (AMD1). Also called: ACROMESOMELIC DYSPLASIA 1; ST. HELENA DYSPLASIA. Identifiers: Orphanet 40, MedGen C1864356, MONDO:0011275, OMIM 602875.
Tall stature-scoliosis-macrodactyly of the great toes syndrome. Also called: Epiphyseal chondrodysplasia, miura type. Identifiers: Orphanet 329191, MedGen C4014690, MONDO:0014401, OMIM 615923.

Submission:

Labcorp Genetics (formerly Invitae), Labcorp
Classification: Pathogenic for Tall stature-scoliosis-macrodactyly of the great toes syndrome; Acromesomelic dysplasia 1, Maroteaux type. Last evaluated: 2025-10-01. Review status: criteria provided, single submitter. Criteria: Invitae Variant Classification Sherloc (09022015). Collection method: clinical testing. Allele origin: germline.
Comment: This sequence change creates a premature translational stop signal (p.Phe857Leufs*26) in the NPR2 gene. It is expected to result in an absent or disrupted protein product. Loss-of-function variants in NPR2 are known to be pathogenic (PMID: 15146390, 15572448, 16384845). This variant is not present in population databases (gnomAD no frequency). This variant has not been reported in the literature in individuals affected with NPR2-related conditions. Algorithms developed to predict the effect of sequence changes on RNA splicing suggest that this variant may disrupt the consensus splice site. For these reasons, this variant has been classified as Pathogenic.

Literature cited by the submitters: PubMed 15146390; PubMed 15572448; PubMed 16384845.

NM_003995.4(NPR2):c.2568del (p.Phe857fs)

Gene: NPR2 (natriuretic peptide receptor 2; plus strand). Cytogenetic location: 9p13.3.
Variant type: Deletion.
Coding change: c.2568del on transcript NM_003995.4 (MANE Select); coding-DNA position 2568, one base deleted (C; older notation c.2568delC).
Protein change: p.Phe857fs; shifts the reading frame from phenylalanine 857.
Molecular consequence: frameshift variant.
Genome position (GRCh38, 1-based): chr9:35,807,071, C deleted; the last of 2 consecutive C bases (chr9:35,807,070-35,807,071); deleting either gives the same sequence. VCF-style (leftmost placement, unchanged base first): chr9-35807069-GC-G. GRCh37 (hg19) VCF-style: chr9-35807066-GC-G.
Other names: c.2577del, p.Phe860fs (NM_001378923.1); short protein forms F857fs, F860fs.
Identifiers: ClinVar variation 4785667 (VCV004785667.1).
Genomic context (GRCh38, chr9:35,807,069, plus strand): 5'-CCCTTGCTTCCTAGTTCAGTGGCAGAGCAGTTAAAACGGGGAGAGACTGTACAGGCTGAG[GC>G]CTTTGACAGTGTTACCATCTACTTCAGTGACATTGTTGGCTTCACAGCATTGTCAGCAGA-3'